The following is an entry in ClinVar:

NM_012210.4(TRIM32):c.1786C>T (p.Arg596Cys)

Genes: ASTN2 (astrotactin 2; minus strand), TRIM32 (tripartite motif containing 32; plus strand). Cytogenetic location: 9q33.1.
Variant type: single nucleotide variant.
Coding change: c.1786C>T on transcript NM_012210.4 (MANE Select); coding-DNA position 1786, C replaced by T.
Protein change: p.Arg596Cys; replaces arginine 596 with cysteine.
Molecular consequence: missense variant. On other transcripts: intron variant (3).
Genome position (GRCh38, 1-based): chr9:116,699,528, C>T. VCF-style: chr9-116699528-C-T. GRCh37 (hg19) VCF-style: chr9-119461807-C-T.
Other names: c.1786C>T, p.Arg596Cys (NM_001099679.2, NM_001379048.1, NM_001379049.1 and 1 more transcripts); c.2653+26243G>A (NM_014010.5); c.2794+26243G>A (NM_001365069.1); c.2806+26243G>A (NM_001365068.1); short protein forms R596C.
Identifiers: ClinVar variation 289050 (VCV000289050.10), dbSNP rs765348678, ClinGen allele CA10606309.

ClinVar aggregate classification (germline): Uncertain significance. Review status: criteria provided, multiple submitters, no conflicts (2 of 4 stars). 4 submissions from 4 submitters: Uncertain significance (4). Last evaluated 2025-12-11.

Conditions:
Bardet-Biedl syndrome (BBS). Identifiers: Orphanet 110, MedGen C0752166, MONDO:0015229.
Sarcotubular myopathy (LGMDR8). Also called: Hutterite type of muscular dystrophy; Limb-girdle muscular dystrophy, type 2H; MUSCULAR DYSTROPHY, LIMB-GIRDLE, AUTOSOMAL RECESSIVE 8; Autosomal recessive limb-girdle muscular dystrophy type 2H. Identifiers: Orphanet 1878, MedGen C0270968, MONDO:0009683, OMIM 254110.
Bardet-Biedl syndrome 11 (BBS11). Identifiers: Orphanet 110, MedGen C1859569, MONDO:0014439, OMIM 615988.
Inborn genetic diseases. Identifiers: MedGen C0950123, MeSH D030342.

Allele frequency attached by ClinVar (database versions not stated): 1000 Genomes Project 30x 0.00016; TOPMed 0.00002.
gnomAD v4.1: 11 of 1,614,138 alleles (0.00068%); highest among the groups gnomAD compares: Admixed American, 0.0067%; 1 homozygote.

Submissions (4):

Ambry Genetics
Classification: Uncertain significance for Inborn genetic diseases. Last evaluated: 2025-12-11. Review status: criteria provided, single submitter. Criteria: Ambry Variant Classification Scheme 2023. Collection method: clinical testing. Allele origin: germline.

Labcorp Genetics (formerly Invitae), Labcorp
Classification: Uncertain significance for Bardet-Biedl syndrome. Last evaluated: 2022-07-12. Review status: criteria provided, single submitter. Criteria: Invitae Variant Classification Sherloc (09022015). Collection method: clinical testing. Allele origin: germline.
Comment: This sequence change replaces arginine, which is basic and polar, with cysteine, which is neutral and slightly polar, at codon 596 of the TRIM32 protein (p.Arg596Cys). This variant is present in population databases (no rsID available, gnomAD 0.006%). This variant has not been reported in the literature in individuals affected with TRIM32-related conditions. ClinVar contains an entry for this variant (Variation ID: 289050). Algorithms developed to predict the effect of missense changes on protein structure and function (SIFT, PolyPhen-2, Align-GVGD) all suggest that this variant is likely to be disruptive. In summary, the available evidence is currently insufficient to determine the role of this variant in disease. Therefore, it has been classified as a Variant of Uncertain Significance.

Fulgent Genetics
Classification: Uncertain significance for Sarcotubular myopathy; Bardet-Biedl syndrome 11. Last evaluated: 2021-10-11. Review status: criteria provided, single submitter. Criteria: ACMG Guidelines, 2015. Collection method: clinical testing. Allele origin: unknown.

Eurofins Ntd Llc (ga)
Classification: Uncertain significance. Last evaluated: 2016-06-27. Review status: criteria provided, single submitter. Criteria: EGL Classification Definitions 2015. Collection method: clinical testing. Allele origin: germline. Observed: 1 variant allele, 1 heterozygote.